The following is an entry in ClinVar:

NM_001129.5(AEBP1):c.668-14C>T

Gene: AEBP1 (AE binding protein 1; plus strand). Cytogenetic location: 7p13.
Variant type: single nucleotide variant.
Coding change: c.668-14C>T on transcript NM_001129.5 (MANE Select); 14 bases into the intron before coding-DNA position 668, C replaced by T.
Molecular consequence: intron variant.
Genome position (GRCh38, 1-based): chr7:44,107,615, C>T. VCF-style: chr7-44107615-C-T. GRCh37 (hg19) VCF-style: chr7-44147214-C-T.
Identifiers: ClinVar variation 1988889 (VCV001988889.5), dbSNP rs201137709, ClinGen allele CA4237570.
Genomic context (GRCh38, chr7:44,107,615, plus strand): 5'-CTGGTTGGACTGAGGGCTTCCCCAGAGTAGGCCTGGGTGGGGTTGTCAGGCAGCTACCAG[C>T]GCTTTCCCCTCAGAGCCGGAGGAGGAGACCGAGCAACCCACACTGGACTACAATGACCAG-3'

ClinVar aggregate classification (germline): Benign. Review status: criteria provided, multiple submitters, no conflicts (2 of 4 stars). 2 submissions from 2 submitters: Benign (2). Last evaluated 2026-04-01.

Allele frequency attached by ClinVar (database versions not stated): gnomAD exomes 0.00011; ExAC 0.00042; gnomAD 0.00160; TOPMed 0.00165; 1000 Genomes Project 0.00200; 1000 Genomes Project 30x 0.00203; ESP Exome Variant Server 0.00208.

Submissions (2):

Women's Health and Genetics/Laboratory Corporation of America, LabCorp
Classification: Benign. Last evaluated: 2026-04-01. Review status: criteria provided, single submitter. Criteria: LabCorp Variant Classification Summary - May 2015. Collection method: clinical testing. Allele origin: germline.
Comment: Variant summary: AEBP1 c.668-14C>T alters a nucleotide located at a position not widely known to affect splicing. Consensus agreement among computation tools predict no significant impact on normal splicing. However, these predictions have yet to be confirmed by functional studies. The variant allele was found at a frequency of 0.00041 in 250770 control chromosomes, predominantly at a frequency of 0.0051 within the African or African-American subpopulation in the gnomAD database, including 1 homozygotes. The observed variant frequency within African or African-American control individuals in the gnomAD database exceeds the estimated maximal expected allele frequency for disease-causing variants in AEBP1. To our knowledge, no occurrence of c.668-14C>T in individuals affected with AEBP1-related conditions and no experimental evidence demonstrating its impact on protein function have been reported. ClinVar contains an entry for this variant (Variation ID: 1988889). Based on the evidence outlined above, the variant was classified as benign.

Labcorp Genetics (formerly Invitae), Labcorp
Classification: Benign. Last evaluated: 2025-11-30. Review status: criteria provided, single submitter. Criteria: Invitae Variant Classification Sherloc (09022015). Collection method: clinical testing. Allele origin: germline.